The following is an entry in ClinVar:

ClinVar aggregate classification (germline): Uncertain significance (1 of 4 stars; one submission).

gnomAD v4.1: 3 of 1,557,590 alleles (0.00019%); highest among the groups gnomAD compares: South Asian, 0.0012%; no homozygotes.

Submission:

Labcorp Genetics (formerly Invitae), Labcorp
Classification: Uncertain significance. Last evaluated: 2024-09-27. Review status: criteria provided, single submitter. Criteria: Invitae Variant Classification Sherloc (09022015). Collection method: clinical testing. Allele origin: germline.
Comment: This sequence change replaces aspartic acid, which is acidic and polar, with glutamic acid, which is acidic and polar, at codon 36 of the ARIH1 protein (p.Asp36Glu). This variant is not present in population databases (gnomAD no frequency). This variant has not been reported in the literature in individuals affected with ARIH1-related conditions. Experimental studies and prediction algorithms are not available or were not evaluated, and the functional significance of this variant is currently unknown. In summary, the available evidence is currently insufficient to determine the role of this variant in disease. Therefore, it has been classified as a Variant of Uncertain Significance.

NM_005744.5(ARIH1):c.108C>A (p.Asp36Glu)

Gene: ARIH1 (ariadne RBR E3 ubiquitin protein ligase 1; plus strand). Cytogenetic location: 15q24.1.
Variant type: single nucleotide variant.
Coding change: c.108C>A on transcript NM_005744.5 (MANE Select); coding-DNA position 108, C replaced by A.
Protein change: p.Asp36Glu; replaces aspartic acid 36 with glutamic acid.
Molecular consequence: missense variant.
Genome position (GRCh38, 1-based): chr15:72,474,747, C>A. VCF-style: chr15-72474747-C-A. GRCh37 (hg19) VCF-style: chr15-72767088-C-A.
Other names: short protein forms D36E.
Identifiers: ClinVar variation 2795387 (VCV002795387.3), dbSNP rs1253333685, ClinGen allele CA393236553.